The following is an entry in ClinVar:

ClinVar aggregate classification (germline): Benign/Likely benign. Review status: criteria provided, multiple submitters, no conflicts (2 of 4 stars). 2 submissions from 2 submitters: Benign (1); Likely benign (1). Last evaluated 2024-11-13.

Conditions:
Hereditary cancer-predisposing syndrome. Also called: Hereditary Cancer Syndrome; Tumor predisposition; Hereditary neoplastic syndrome; Neoplastic Syndromes, Hereditary. Identifiers: Orphanet 140162, MedGen C0027672, MeSH D009386, MONDO:0015356.
Papillary renal cell carcinoma type 1 (RCCP1). Also called: RENAL CELL CARCINOMA, PAPILLARY, 1, SOMATIC; Renal adenocarcinoma; Renal cell carcinoma 1; Renal cell carcinoma, somatic. Identifiers: Orphanet 47044, MedGen C1336839, OMIM 605074, HP:0011797.

Submissions (2):

Myriad Genetics, Inc.
Classification: Benign for Papillary renal cell carcinoma type 1. Last evaluated: 2024-11-13. Review status: criteria provided, single submitter. Criteria: Myriad Autosomal Dominant, Autosomal Recessive and X-Linked Classification Criteria (2023). Collection method: clinical testing. Allele origin: unknown.
Comment: This variant is considered benign. This variant is a silent/synonymous amino acid change and it is not expected to impact splicing.

Ambry Genetics
Classification: Likely benign for Hereditary cancer-predisposing syndrome. Last evaluated: 2024-09-08. Review status: criteria provided, single submitter. Criteria: Ambry Variant Classification Scheme 2023. Collection method: clinical testing. Allele origin: germline.

NM_000245.4(MET):c.3153C>T (p.Val1051=)

Gene: MET (MET proto-oncogene, receptor tyrosine kinase; plus strand). Cytogenetic location: 7q31.2.
Variant type: single nucleotide variant.
Coding change: c.3153C>T on transcript NM_000245.4 (MANE Select); coding-DNA position 3153, C replaced by T.
Protein change: p.Val1051=; no amino-acid change (valine 1051 retained).
Molecular consequence: synonymous variant.
Genome position (GRCh38, 1-based): chr7:116,775,005, C>T. VCF-style: chr7-116775005-C-T. GRCh37 (hg19) VCF-style: chr7-116415059-C-T.
Other names: c.3207C>T, p.Val1069= (NM_001127500.3); c.1863C>T, p.Val621= (NM_001324402.2).
Identifiers: ClinVar variation 3395150 (VCV003395150.2).